The following is an entry in ClinVar:

NM_003073.5(SMARCB1):c.184A>T (p.Lys62Ter)

Gene: SMARCB1 (SWI/SNF related BAF chromatin remodeling complex subunit B1; plus strand). Cytogenetic location: 22q11.23.
Variant type: single nucleotide variant.
Coding change: c.184A>T on transcript NM_003073.5 (MANE Select); coding-DNA position 184, A replaced by T.
Protein change: p.Lys62Ter; replaces lysine 62 with a stop codon.
Molecular consequence: nonsense.
Genome position (GRCh38, 1-based): chr22:23,791,846, A>T. VCF-style: chr22-23791846-A-T. GRCh37 (hg19) VCF-style: chr22-24134033-A-T.
Other names: c.184A>T (LRG_520t1); c.184A>T, p.Lys62Ter (NM_001007468.3, NM_001317946.2, NM_001362877.2); short protein forms K62*.
Identifiers: ClinVar variation 464323 (VCV000464323.1), dbSNP rs1555875917, ClinGen allele CA410932931.
Genomic context (GRCh38, chr22:23,791,846, plus strand): 5'-TCTCTGTACAAGAGATACCCCTCACTCTGGAGGCGACTAGCCACTGTGGAAGAGAGGAAG[A>T]AAATAGTTGCATCGTCACATGGTAAAAAAACAAAACCTAACACTAAGGGTGCGTCTTCAC-3'

ClinVar aggregate classification (germline): Pathogenic (1 of 4 stars; one submission).

Conditions:
Rhabdoid tumor predisposition syndrome 1 (RTPS1). Also called: Familial Posterior Fossa Brain Tumor of Infancy. Identifiers: Orphanet 231108, Orphanet 69077, MedGen C1836327, MONDO:0012252, OMIM 609322.

Submission:

Labcorp Genetics (formerly Invitae), Labcorp
Classification: Pathogenic for Rhabdoid tumor predisposition syndrome 1. Last evaluated: 2017-02-27. Review status: criteria provided, single submitter. Criteria: Invitae Variant Classification Sherloc (09022015). Collection method: clinical testing. Allele origin: germline.
Comment: This sequence change creates a premature translational stop signal at codon 62 (p.Lys62*) of the SMARCB1 gene. It is expected to result in an absent or disrupted protein product. While this particular variant has not been reported in the literature, loss-of-function variants in SMARCB1 are known to be pathogenic (PMID: 10521299, 21208904). For these reasons, this variant has been classified as Pathogenic.